The following is an entry in ClinVar:

NM_004329.3(BMPR1A):c.649G>A (p.Gly217Ser)

Gene: BMPR1A (bone morphogenetic protein receptor type 1A; plus strand). Cytogenetic location: 10q23.2.
Variant type: single nucleotide variant.
Coding change: c.649G>A on transcript NM_004329.3 (MANE Select); coding-DNA position 649, G replaced by A.
Protein change: p.Gly217Ser; replaces glycine 217 with serine.
Molecular consequence: missense variant.
Genome position (GRCh38, 1-based): chr10:86,912,358, G>A. VCF-style: chr10-86912358-G-A. GRCh37 (hg19) VCF-style: chr10-88672115-G-A.
Other names: short protein forms G217S.
Identifiers: ClinVar variation 1507072 (VCV001507072.9), dbSNP rs766093107, ClinGen allele CA377455052.

ClinVar aggregate classification (germline): Uncertain significance. Review status: criteria provided, multiple submitters, no conflicts (2 of 4 stars). 2 submissions from 2 submitters: Uncertain significance (2). Last evaluated 2023-08-11.

Conditions:
Juvenile polyposis syndrome (JPS). Identifiers: Orphanet 2929, MedGen C0345893, MONDO:0017380, OMIM 174900.
Polyposis syndrome, hereditary mixed, 2. Identifiers: Orphanet 157794, MedGen C1864730, MONDO:0012405, OMIM 610069.

Submissions (2):

Baylor Genetics
Classification: Uncertain significance for Polyposis syndrome, hereditary mixed, 2. Last evaluated: 2023-08-11. Review status: criteria provided, single submitter. Criteria: ACMG Guidelines, 2015. Collection method: clinical testing. Allele origin: unknown.

Labcorp Genetics (formerly Invitae), Labcorp
Classification: Uncertain significance for Juvenile polyposis syndrome. Last evaluated: 2021-05-19. Review status: criteria provided, single submitter. Criteria: Invitae Variant Classification Sherloc (09022015). Collection method: clinical testing. Allele origin: germline.
Comment: This variant is not present in population databases (ExAC no frequency). This sequence change replaces glycine with serine at codon 217 of the BMPR1A protein (p.Gly217Ser). The glycine residue is highly conserved and there is a small physicochemical difference between glycine and serine. This variant has not been reported in the literature in individuals with BMPR1A-related conditions. In summary, the available evidence is currently insufficient to determine the role of this variant in disease. Therefore, it has been classified as a Variant of Uncertain Significance. Advanced modeling of protein sequence and biophysical properties (such as structural, functional, and spatial information, amino acid conservation, physicochemical variation, residue mobility, and thermodynamic stability) performed at Invitae indicates that this missense variant is expected to disrupt BMPR1A protein function.